The following is an entry in ClinVar:

ClinVar aggregate classification (germline): Uncertain significance. Review status: criteria provided, multiple submitters, no conflicts (2 of 4 stars). 3 submissions from 3 submitters: Uncertain significance (3). Last evaluated 2024-02-27.

Allele frequency attached by ClinVar (database versions not stated): 1000 Genomes Project 0.00020; 1000 Genomes Project 30x 0.00031; ESP Exome Variant Server 0.00056; gnomAD exomes 0.00103 and 0.00141; TOPMed 0.00139; gnomAD 0.00143 and 0.00170; ExAC 0.00199.
gnomAD v4.1: 2,241 of 1,582,372 alleles (0.14%); highest among the groups gnomAD compares: Non-Finnish European, 0.17%; 3 homozygotes.

Submissions (3):

Ambry Genetics
Classification: Uncertain significance. Last evaluated: 2024-02-27. Review status: criteria provided, single submitter. Criteria: Ambry Variant Classification Scheme 2023. Collection method: clinical testing. Allele origin: germline.

Women's Health and Genetics/Laboratory Corporation of America, LabCorp
Classification: Uncertain significance. Last evaluated: 2021-11-11. Review status: criteria provided, single submitter. Criteria: LabCorp Variant Classification Summary - May 2015. Collection method: clinical testing. Allele origin: germline.
Comment: Variant summary: MYO19 c.1024G>A (p.Glu342Lys) results in a conservative amino acid change located in the Myosin head, motor domain (IPR001609) of the encoded protein sequence. Five of five in-silico tools predict a benign effect of the variant on protein function. The variant allele was found at a frequency of 0.001 in 198654 control chromosomes. This frequency is not significantly higher than estimated for a pathogenic variant in MYO19 causing MYO19-Related Disorders, allowing no conclusion about variant significance. To our knowledge, no occurrence of c.1024G>A in individuals affected with MYO19-Related Disorders and no experimental evidence demonstrating its impact on protein function have been reported. No clinical diagnostic laboratories have submitted clinical-significance assessments for this variant to ClinVar after 2014. Based on the evidence outlined above, the variant was classified as uncertain significance.

Breakthrough Genomics
Classification: Uncertain significance. Review status: criteria provided, single submitter. Criteria: ACMG Guidelines, 2015. Collection method: not provided. Allele origin: germline. Inheritance: Unknown mechanism. Affected: yes.

NM_001163735.2(MYO19):c.1024G>A (p.Glu342Lys)

Gene: MYO19 (myosin XIX; minus strand). Cytogenetic location: 17q12.
Variant type: single nucleotide variant.
Coding change: c.1024G>A on transcript NM_001163735.2 (MANE Select); coding-DNA position 1024, G replaced by A.
Protein change: p.Glu342Lys; replaces glutamic acid 342 with lysine.
Molecular consequence: missense variant.
Genome position (GRCh38, 1-based): chr17:36,510,879, C>T on the plus strand (G>A on the coding strand, the complement: MYO19 is on the minus strand). VCF-style: chr17-36510879-C-T. GRCh37 (hg19) VCF-style: chr17-34866718-C-T.
Other names: c.1024G>A, p.Glu342Lys (NM_025109.6); short protein forms E342K.
Identifiers: ClinVar variation 1329004 (VCV001329004.3), dbSNP rs200728833, ClinGen allele CA289941672.
Genomic context (GRCh38, chr17:36,510,879, plus strand): 5'-CCTGCTGCTGTCTGCCTGCCCTGATGGTTCTAATCTGCACCATCTCCAGCAGCACGTCCT[C>T]TGGGAGCCCCAGCAGCGAGGCTGCCGTCCTGACAGAGTCTGGGAGGGGCAAATCCTCTTT-3'
Protein context (NP_001157207.1, residues 332-352): RTAASLLGLP[Glu342Lys]DVLLEMVQIR